The following is an entry in ClinVar:

NC_000022.10:g.(?_32200808)_(32242973_?)del

Gene: DEPDC5 (DEP domain containing 5, GATOR1 subcomplex subunit; plus strand). Cytogenetic location: 22q12.3.
Variant type: Deletion.
Identifiers: ClinVar variation 3247851 (VCV003247851.1).

ClinVar aggregate classification (germline): Pathogenic (1 of 4 stars; one submission).

Conditions:
Familial focal epilepsy with variable foci (FPEVF). Identifiers: Orphanet 98820, MedGen C1858477, MONDO:0020310.

Submission:

Labcorp Genetics (formerly Invitae), Labcorp
Classification: Pathogenic for Familial focal epilepsy with variable foci. Last evaluated: 2023-12-06. Review status: criteria provided, single submitter. Criteria: Invitae Variant Classification Sherloc (09022015). Collection method: clinical testing. Allele origin: unknown.
Comment: This variant is a gross deletion of the genomic region encompassing exon(s) 17-31 of the DEPDC5 gene. This deletion is out-of-frame, and is expected to create a premature termination codon and result in an absent or disrupted protein product. Loss-of-function variants in DEPDC5 are known to be pathogenic (PMID: 23542697, 23542701). This variant has not been reported in the literature in individuals affected with DEPDC5-related conditions. For these reasons, this variant has been classified as Pathogenic.

Literature cited by the submitters: PubMed 23542697; PubMed 23542701.